The following is an entry in ClinVar:

ClinVar aggregate classification (germline): Uncertain significance. Review status: criteria provided, multiple submitters, no conflicts (2 of 4 stars). 3 submissions from 3 submitters: Uncertain significance (2). 1 of the submissions does not count toward it. Last evaluated 2022-12-01.

Conditions:
Cystinuria (CSNU). Also called: Cystinuria, non-type I; CYSTINURIA, TYPE I; CYSTINURIA, TYPE II; CYSTINURIA, TYPE III. Identifiers: Orphanet 214, MedGen C0010691, MONDO:0009067, OMIM 220100, HP:0003131.

Allele frequency attached by ClinVar (database versions not stated): TOPMed below 0.00001.

Submissions (3):

Department of Urology, Hunan Children's Hospital
Classification: Uncertain significance for Cystinuria. Last evaluated: 2022-12-01. Review status: criteria provided, single submitter. Criteria: ACMG Guidelines, 2015. Collection method: research. Allele origin: maternal. Affected: yes.

Juno Genomics, Hangzhou Juno Genomics, Inc
Classification: Uncertain significance for Cystinuria. Review status: criteria provided, single submitter. Criteria: ACMG Guidelines, 2015. Collection method: clinical testing. Allele origin: germline.
Comment: Absent from controls (or at extremely low frequency if recessive) in Genome Aggregation Database.;Multiple lines of computational evidence support a deleterious effect on the gene or gene product.

Chinese Inherited Urolithiasis Consortium, The Affiliated Yantai Yuhuangding Hospital of Qingdao University
Classification: Likely pathogenic for Cystinuria. Last evaluated: 2024-08-26. Review status: no assertion criteria provided. Collection method: clinical testing. Allele origin: paternal. Affected: yes. Observed: 1 variant allele. Not counted in ClinVar's aggregate classification.

NM_014270.5(SLC7A9):c.878T>C (p.Phe293Ser)

Gene: SLC7A9 (solute carrier family 7 member 9; minus strand). Cytogenetic location: 19q13.11.
Variant type: single nucleotide variant.
Coding change: c.878T>C on transcript NM_014270.5 (MANE Select); coding-DNA position 878, T replaced by C.
Protein change: p.Phe293Ser; replaces phenylalanine 293 with serine.
Molecular consequence: missense variant.
Genome position (GRCh38, 1-based): chr19:32,858,539, A>G on the plus strand (T>C on the coding strand, the complement: SLC7A9 is on the minus strand). VCF-style: chr19-32858539-A-G. GRCh37 (hg19) VCF-style: chr19-33349445-A-G.
Other names: c.878T>C, p.Phe293Ser (NM_001126335.2, NM_001243036.2); short protein forms F293S.
Identifiers: ClinVar variation 2446009 (VCV002446009.5), dbSNP rs1968696030, ClinGen allele CA405200908.
Genomic context (GRCh38, chr19:32,858,539, plus strand): 5'-GTTGAAAATGCCACAAAAAGTGGAACGATCCAAGAAGCAGGATAGAGAACACGGTCACCA[A>G]ATGTCTGGTGAGAGAAGCGAGATGAGTCCTGAGGGTCTTTCTTGGCCTCCAAGAGCGGCC-3'
Protein context (NP_055085.1, residues 283-303): LLQSQAVAVT[Phe293Ser]GDRVLYPASW